The following is an entry in ClinVar:

ClinVar aggregate classification (germline): Uncertain significance (1 of 4 stars; one submission).

Conditions:
Hereditary cancer-predisposing syndrome. Also called: Neoplastic Syndromes, Hereditary; Tumor predisposition; Hereditary Cancer Syndrome; Hereditary neoplastic syndrome. Identifiers: Orphanet 140162, MedGen C0027672, MeSH D009386, MONDO:0015356.

Submission:

Ambry Genetics
Classification: Uncertain significance for Hereditary cancer-predisposing syndrome. Last evaluated: 2024-08-16. Review status: criteria provided, single submitter. Criteria: Ambry Variant Classification Scheme 2023. Collection method: clinical testing. Allele origin: germline.
Comment: The p.M1844V variant (also known as c.5530A>G), located in coding exon 40 of the POLE gene, results from an A to G substitution at nucleotide position 5530. The methionine at codon 1844 is replaced by valine, an amino acid with highly similar properties. This amino acid position is conserved. In addition, the in silico prediction for this alteration is inconclusive. Based on the available evidence, the clinical significance of this variant remains unclear.

NM_006231.4(POLE):c.5530A>G (p.Met1844Val)

Gene: POLE (DNA polymerase epsilon, catalytic subunit; minus strand). Cytogenetic location: 12q24.33.
Variant type: single nucleotide variant.
Coding change: c.5530A>G on transcript NM_006231.4 (MANE Select); coding-DNA position 5530, A replaced by G.
Protein change: p.Met1844Val; replaces methionine 1844 with valine.
Molecular consequence: missense variant.
Genome position (GRCh38, 1-based): chr12:132,639,147, T>C on the plus strand (A>G on the coding strand, the complement: POLE is on the minus strand). VCF-style: chr12-132639147-T-C. GRCh37 (hg19) VCF-style: chr12-133215733-T-C.
Other names: short protein forms M1844V.
Identifiers: ClinVar variation 3422135 (VCV003422135.1).